The following is an entry in ClinVar:

NM_001378328.1(CELSR1):c.246G>C (p.Ala82=)

Gene: CELSR1 (cadherin EGF LAG seven-pass G-type receptor 1; minus strand). Cytogenetic location: 22q13.31.
Variant type: single nucleotide variant.
Coding change: c.246G>C on transcript NM_001378328.1 (MANE Select); coding-DNA position 246, G replaced by C.
Protein change: p.Ala82=; no amino-acid change (alanine 82 retained).
Molecular consequence: synonymous variant.
Genome position (GRCh38, 1-based): chr22:46,536,925, C>G on the plus strand (G>C on the coding strand, the complement: CELSR1 is on the minus strand). VCF-style: chr22-46536925-C-G. GRCh37 (hg19) VCF-style: chr22-46932822-C-G.
Other names: c.246G>C, p.Ala82= (NM_014246.4).
Identifiers: ClinVar variation 3036194 (VCV003036194.2), dbSNP rs1476045941, ClinGen allele CA515101103.

ClinVar aggregate classification (germline): Likely benign (0 of 4 stars; one submission).

Conditions:
CELSR1-related disorder. Also called: CELSR1-related condition.

Allele frequency attached by ClinVar (database versions not stated): gnomAD 0.00001; TOPMed 0.00001.
gnomAD v4.1: 12 of 1,173,048 alleles (0.001%); highest among the groups gnomAD compares: Non-Finnish European, 0.0011%; no homozygotes.

Submission:

PreventionGenetics, part of Exact Sciences
Classification: Likely benign for CELSR1-related condition. Last evaluated: 2022-04-27. Review status: no assertion criteria provided. Collection method: clinical testing. Allele origin: germline.
Comment: This variant is classified as likely benign based on ACMG/AMP sequence variant interpretation guidelines (Richards et al. 2015 PMID: 25741868, with internal and published modifications).